The following is an entry in ClinVar:

ClinVar aggregate classification (germline): Uncertain significance (1 of 4 stars; one submission).

Allele frequency attached by ClinVar (database versions not stated): gnomAD exomes below 0.00001; gnomAD 0.00001; TOPMed 0.00001.
gnomAD v4.1: 4 of 1,550,080 alleles (0.00026%); highest among the groups gnomAD compares: African/African-American, 0.0055%; no homozygotes.

Submission:

Labcorp Genetics (formerly Invitae), Labcorp
Classification: Uncertain significance. Last evaluated: 2023-05-19. Review status: criteria provided, single submitter. Criteria: Invitae Variant Classification Sherloc (09022015). Collection method: clinical testing. Allele origin: germline.
Comment: In summary, the available evidence is currently insufficient to determine the role of this variant in disease. Therefore, it has been classified as a Variant of Uncertain Significance. An algorithm developed to predict the effect of missense changes on protein structure and function (PolyPhen-2) suggests that this variant is likely to be tolerated. This variant has not been reported in the literature in individuals affected with ERBIN-related conditions. This variant is not present in population databases (gnomAD no frequency). This sequence change replaces proline, which is neutral and non-polar, with leucine, which is neutral and non-polar, at codon 1222 of the ERBIN protein (p.Pro1222Leu).

NM_001253697.2(ERBIN):c.3665C>T (p.Pro1222Leu)

Gene: ERBIN (erbb2 interacting protein; plus strand). Cytogenetic location: 5q12.3.
Variant type: single nucleotide variant.
Coding change: c.3665C>T on transcript NM_001253697.2 (MANE Select); coding-DNA position 3665, C replaced by T.
Protein change: p.Pro1222Leu; replaces proline 1222 with leucine.
Molecular consequence: missense variant. On other transcripts: intron variant (5).
Genome position (GRCh38, 1-based): chr5:66,072,200, C>T. VCF-style: chr5-66072200-C-T. GRCh37 (hg19) VCF-style: chr5-65368028-C-T.
Other names: c.3778-2824C>T (NM_001253699.2); c.3634-2824C>T (NM_018695.4, NM_001253698.2); c.3634-4116C>T (NM_001006600.3); c.3622-2824C>T (NM_001253701.2); short protein forms P1222L.
Identifiers: ClinVar variation 2786427 (VCV002786427.3), dbSNP rs926672927, ClinGen allele CA119877135.